The following is an entry in ClinVar:

NM_016580.4(PCDH12):c.2417C>A (p.Ala806Glu)

Genes: PCDH12 (protocadherin 12; minus strand), RNF14 (ring finger protein 14; plus strand). Cytogenetic location: 5q31.3.
Variant type: single nucleotide variant.
Coding change: c.2417C>A on transcript NM_016580.4 (MANE Select); coding-DNA position 2417, C replaced by A.
Protein change: p.Ala806Glu; replaces alanine 806 with glutamic acid.
Molecular consequence: missense variant.
Genome position (GRCh38, 1-based): chr5:141,955,435, G>T on the plus strand (C>A on the coding strand, the complement: PCDH12 is on the minus strand). VCF-style: chr5-141955435-G-T. GRCh37 (hg19) VCF-style: chr5-141335000-G-T.
Other names: short protein forms A806E.
Identifiers: ClinVar variation 1495711 (VCV001495711.8), dbSNP rs2126927414, ClinGen allele CA361575136.
Genomic context (GRCh38, chr5:141,955,435, plus strand): 5'-AGCGTCCTGTACAGGGTCGGGGTGAGGTGGAAGGGGGCCTGCAGGCAGGGGTCCCAGCCT[G>T]CTTCCATCATCGCCTCCTTGTCCACATCTTTGTGGGACTGCCCGACTTCACAAGGCTCAC-3'
Protein context (NP_057664.1, residues 796-816): KDVDKEAMME[Ala806Glu]GWDPCLQAPF

ClinVar aggregate classification (germline): Uncertain significance (1 of 4 stars; one submission).

Submission:

Labcorp Genetics (formerly Invitae), Labcorp
Classification: Uncertain significance. Last evaluated: 2022-08-09. Review status: criteria provided, single submitter. Criteria: Invitae Variant Classification Sherloc (09022015). Collection method: clinical testing. Allele origin: germline.
Comment: ClinVar contains an entry for this variant (Variation ID: 1495711). In summary, the available evidence is currently insufficient to determine the role of this variant in disease. Therefore, it has been classified as a Variant of Uncertain Significance. Advanced modeling of protein sequence and biophysical properties (such as structural, functional, and spatial information, amino acid conservation, physicochemical variation, residue mobility, and thermodynamic stability) performed at Invitae indicates that this missense variant is not expected to disrupt PCDH12 protein function. This variant has not been reported in the literature in individuals affected with PCDH12-related conditions. This variant is not present in population databases (gnomAD no frequency). This sequence change replaces alanine, which is neutral and non-polar, with glutamic acid, which is acidic and polar, at codon 806 of the PCDH12 protein (p.Ala806Glu).